The following is an entry in ClinVar:

NM_001940.4(ATN1):c.2234G>T (p.Arg745Leu)

Gene: ATN1 (atrophin 1; plus strand). Cytogenetic location: 12p13.31.
Variant type: single nucleotide variant.
Coding change: c.2234G>T on transcript NM_001940.4 (MANE Select); coding-DNA position 2234, G replaced by T.
Protein change: p.Arg745Leu; replaces arginine 745 with leucine.
Molecular consequence: missense variant.
Genome position (GRCh38, 1-based): chr12:6,937,501, G>T. VCF-style: chr12-6937501-G-T. GRCh37 (hg19) VCF-style: chr12-7046664-G-T.
Other names: c.2234G>T, p.Arg745Leu (NM_001007026.2, NM_001424176.1, NM_001424177.1 and 1 more transcripts); c.2231G>T, p.Arg744Leu (NM_001424179.1, NM_001424180.1); c.2213G>T, p.Arg738Leu (NM_001424181.1); c.2210G>T, p.Arg737Leu (NM_001424182.1); short protein forms R737L, R738L, R744L, R745L.
Identifiers: ClinVar variation 2642653 (VCV002642653.24), dbSNP rs898441901, ClinGen allele CA383734069.

ClinVar aggregate classification (germline): Uncertain significance (1 of 4 stars; one submission).

Submission:

CeGaT Center for Human Genetics Tuebingen
Classification: Uncertain significance. Last evaluated: 2023-09-01. Review status: criteria provided, single submitter. Criteria: CeGaT Center For Human Genetics Tuebingen Variant Classification Criteria Version 2. Collection method: clinical testing. Allele origin: germline. Affected: yes. Observed: 1 variant allele.
Comment: ATN1: PM2, BP4